The following is an entry in ClinVar:

ClinVar aggregate classification (germline): Uncertain significance (1 of 4 stars; one submission).

Conditions:
Neurodevelopmental disorder with microcephaly, seizures, and cortical atrophy. Identifiers: MedGen C4540493, MONDO:0060621, OMIM 617802.

Submission:

3billion
Classification: Uncertain significance for Neurodevelopmental disorder with microcephaly, seizures, and cortical atrophy. Last evaluated: 2024-01-05. Review status: criteria provided, single submitter. Criteria: ACMG Guidelines, 2015. Collection method: clinical testing. Allele origin: germline. Affected: yes.
Comment: The variant is not observed in the gnomAD v2.1.1 dataset. Predicted Consequence/Location: Missense variant Damaging effect on gene or gene product predicted by in silico programs is uncertain [REVEL: 0.04 (damaging >=0.6, benign <0.4), 3Cnet: 0.23 (damaging >=0.6, benign <0.15)]. Therefore, this variant is classified as VUS according to the recommendation of ACMG/AMP guideline.

NM_006295.3(VARS1):c.2668C>G (p.Leu890Val)

Gene: VARS1 (valyl-tRNA synthetase 1; minus strand). Cytogenetic location: 6p21.33.
Variant type: single nucleotide variant.
Coding change: c.2668C>G on transcript NM_006295.3 (MANE Select); coding-DNA position 2668, C replaced by G.
Protein change: p.Leu890Val; replaces leucine 890 with valine.
Molecular consequence: missense variant.
Genome position (GRCh38, 1-based): chr6:31,780,920, G>C on the plus strand (C>G on the coding strand, the complement: VARS1 is on the minus strand). VCF-style: chr6-31780920-G-C. GRCh37 (hg19) VCF-style: chr6-31748697-G-C.
Other names: short protein forms L890V.
Identifiers: ClinVar variation 3775610 (VCV003775610.1).